The following is an entry in ClinVar:

ClinVar aggregate classification (germline): Uncertain significance (1 of 4 stars; one submission).

Allele frequency attached by ClinVar (database versions not stated): ExAC 0.00001; gnomAD exomes 0.00001.
gnomAD v4.1: 3 of 1,612,802 alleles (0.00019%); highest among the groups gnomAD compares: South Asian, 0.0033%; no homozygotes.

Submission:

Labcorp Genetics (formerly Invitae), Labcorp
Classification: Uncertain significance. Last evaluated: 2023-07-17. Review status: criteria provided, single submitter. Criteria: Invitae Variant Classification Sherloc (09022015). Collection method: clinical testing. Allele origin: germline.
Comment: In summary, the available evidence is currently insufficient to determine the role of this variant in disease. Therefore, it has been classified as a Variant of Uncertain Significance. Advanced modeling of protein sequence and biophysical properties (such as structural, functional, and spatial information, amino acid conservation, physicochemical variation, residue mobility, and thermodynamic stability) performed at Invitae indicates that this missense variant is expected to disrupt CAPN5 protein function. ClinVar contains an entry for this variant (Variation ID: 1501302). This variant has not been reported in the literature in individuals affected with CAPN5-related conditions. This variant is present in population databases (rs782652460, gnomAD 0.007%). This sequence change replaces proline, which is neutral and non-polar, with serine, which is neutral and polar, at codon 285 of the CAPN5 protein (p.Pro285Ser).

NM_004055.5(CAPN5):c.853C>T (p.Pro285Ser)

Gene: CAPN5 (calpain 5; plus strand). Cytogenetic location: 11q13.5.
Variant type: single nucleotide variant.
Coding change: c.853C>T on transcript NM_004055.5 (MANE Select); coding-DNA position 853, C replaced by T.
Protein change: p.Pro285Ser; replaces proline 285 with serine.
Molecular consequence: missense variant.
Genome position (GRCh38, 1-based): chr11:77,115,548, C>T. VCF-style: chr11-77115548-C-T. GRCh37 (hg19) VCF-style: chr11-76826594-C-T.
Other names: short protein forms P285S.
Identifiers: ClinVar variation 1501302 (VCV001501302.8), dbSNP rs782652460, ClinGen allele CA6196574.